The following is an entry in ClinVar:

ClinVar aggregate classification (germline): Uncertain significance (1 of 4 stars; one submission).

Submission:

Labcorp Genetics (formerly Invitae), Labcorp
Classification: Uncertain significance. Last evaluated: 2023-11-12. Review status: criteria provided, single submitter. Criteria: Invitae Variant Classification Sherloc (09022015). Collection method: clinical testing. Allele origin: germline.
Comment: This sequence change replaces glutamine, which is neutral and polar, with histidine, which is basic and polar, at codon 196 of the POLE protein (p.Gln196His). RNA analysis indicates that this missense change induces altered splicing and likely results in the loss of 4 amino acid residue(s), but is expected to preserve the integrity of the reading-frame. This variant is not present in population databases (gnomAD no frequency). This variant has not been reported in the literature in individuals affected with POLE-related conditions. ClinVar contains an entry for this variant (Variation ID: 1370165). Advanced modeling of protein sequence and biophysical properties (such as structural, functional, and spatial information, amino acid conservation, physicochemical variation, residue mobility, and thermodynamic stability) performed at Invitae indicates that this missense variant is not expected to disrupt POLE protein function with a negative predictive value of 80%. Studies have shown that this missense change results in the activation of a cryptic splice site in exon 7 (Invitae). In summary, the available evidence is currently insufficient to determine the role of this variant in disease. Therefore, it has been classified as a Variant of Uncertain Significance.

NM_006231.4(POLE):c.588G>C (p.Gln196His)

Gene: POLE (DNA polymerase epsilon, catalytic subunit; minus strand). Cytogenetic location: 12q24.33.
Variant type: single nucleotide variant.
Coding change: c.588G>C on transcript NM_006231.4 (MANE Select); coding-DNA position 588, G replaced by C.
Protein change: p.Gln196His; replaces glutamine 196 with histidine.
Molecular consequence: missense variant.
Genome position (GRCh38, 1-based): chr12:132,677,710, C>G on the plus strand (G>C on the coding strand, the complement: POLE is on the minus strand). VCF-style: chr12-132677710-C-G. GRCh37 (hg19) VCF-style: chr12-133254296-C-G.
Other names: short protein forms Q196H.
Identifiers: ClinVar variation 1370165 (VCV001370165.8), dbSNP rs878854886, ClinGen allele CA387365466.